The following is an entry in ClinVar:

ClinVar aggregate classification (germline): Conflicting classifications of pathogenicity. Review status: criteria provided, conflicting classifications (1 of 4 stars). 5 submissions from 4 submitters: Uncertain significance (3); Likely benign (1). 1 of the submissions does not count toward it. Last evaluated 2025-08-18.

Conditions:
Sarcotubular myopathy (LGMDR8). Also called: Hutterite type of muscular dystrophy; Limb-girdle muscular dystrophy, type 2H; Autosomal recessive limb-girdle muscular dystrophy type 2H; MUSCULAR DYSTROPHY, LIMB-GIRDLE, AUTOSOMAL RECESSIVE 8. Identifiers: Orphanet 1878, MedGen C0270968, MONDO:0009683, OMIM 254110.
Bardet-Biedl syndrome 11 (BBS11). Identifiers: Orphanet 110, MedGen C1859569, MONDO:0014439, OMIM 615988.
TRIM32-related disorder. Also called: TRIM32-related condition.
Bardet-Biedl syndrome (BBS). Identifiers: Orphanet 110, MedGen C0752166, MONDO:0015229.

Allele frequency attached by ClinVar (database versions not stated): gnomAD 0.00001; gnomAD exomes 0.00002; TOPMed 0.00002; ExAC 0.00001.
gnomAD v4.1: 35 of 1,614,078 alleles (0.0022%); highest among the groups gnomAD compares: Non-Finnish European, 0.0026%; no homozygotes.

Submissions (5):

Labcorp Genetics (formerly Invitae), Labcorp
Classification: Likely benign for Bardet-Biedl syndrome. Last evaluated: 2025-08-18. Review status: criteria provided, single submitter. Criteria: Invitae Variant Classification Sherloc (09022015). Collection method: clinical testing. Allele origin: germline.

Fulgent Genetics
Classification: Uncertain significance for Sarcotubular myopathy; Bardet-Biedl syndrome 11. Last evaluated: 2022-04-28. Review status: criteria provided, single submitter. Criteria: ACMG Guidelines, 2015. Collection method: clinical testing. Allele origin: unknown.

Illumina Laboratory Services, Illumina
Classification: Uncertain significance for Sarcotubular myopathy. Last evaluated: 2018-01-13. Review status: criteria provided, single submitter. Criteria: ICSL Variant Classification Criteria 13 December 2019. Collection method: clinical testing. Allele origin: germline.

Illumina Laboratory Services, Illumina
Classification: Uncertain significance for Bardet-Biedl syndrome 11. Last evaluated: 2018-01-13. Review status: criteria provided, single submitter. Criteria: ICSL Variant Classification Criteria 13 December 2019. Collection method: clinical testing. Allele origin: germline.

PreventionGenetics, part of Exact Sciences
Classification: Likely benign for TRIM32-related condition. Last evaluated: 2022-01-25. Review status: no assertion criteria provided. Collection method: clinical testing. Allele origin: germline. Not counted in ClinVar's aggregate classification.
Comment: This variant is classified as likely benign based on ACMG/AMP sequence variant interpretation guidelines (Richards et al. 2015 PMID: 25741868, with internal and published modifications).

NM_012210.4(TRIM32):c.69C>T (p.Cys23=)

Genes: ASTN2 (astrotactin 2; minus strand), TRIM32 (tripartite motif containing 32; plus strand). Cytogenetic location: 9q33.1.
Variant type: single nucleotide variant.
Coding change: c.69C>T on transcript NM_012210.4 (MANE Select); coding-DNA position 69, C replaced by T.
Protein change: p.Cys23=; no amino-acid change (cysteine 23 retained).
Molecular consequence: synonymous variant. On other transcripts: intron variant (3).
Genome position (GRCh38, 1-based): chr9:116,697,811, C>T. VCF-style: chr9-116697811-C-T. GRCh37 (hg19) VCF-style: chr9-119460090-C-T.
Other names: c.69C>T, p.Cys23= (NM_001099679.2, NM_001379048.1, NM_001379049.1 and 1 more transcripts); c.2653+27960G>A (NM_014010.5); c.2794+27960G>A (NM_001365069.1); c.2806+27960G>A (NM_001365068.1).
Identifiers: ClinVar variation 364716 (VCV000364716.16), dbSNP rs575633576, ClinGen allele CA5210897.
Genomic context (GRCh38, chr9:116,697,811, plus strand): 5'-AGCAGCAGCTTCTCACCTGAACCTGGATGCCCTCCGGGAAGTGCTAGAATGCCCCATCTG[C>T]ATGGAGTCCTTCACAGAAGAGCAGCTGCGTCCCAAGCTTCTGCACTGTGGCCATACCATC-3'
Protein context (NP_036342.2, residues 13-33): ALREVLECPI[Cys23=]MESFTEEQLR